The following is an entry in ClinVar:

NM_000535.7(PMS2):c.1921G>A (p.Gly641Arg)

Gene: PMS2 (PMS1 homolog 2, mismatch repair system component; minus strand). Cytogenetic location: 7p22.1.
Variant type: single nucleotide variant.
Coding change: c.1921G>A on transcript NM_000535.7 (MANE Select); coding-DNA position 1921, G replaced by A.
Protein change: p.Gly641Arg; replaces glycine 641 with arginine.
Molecular consequence: missense variant. On other transcripts: non-coding transcript variant (1).
Genome position (GRCh38, 1-based): chr7:5,986,844, C>T on the plus strand (G>A on the coding strand, the complement: PMS2 is on the minus strand). VCF-style: chr7-5986844-C-T. GRCh37 (hg19) VCF-style: chr7-6026475-C-T.
Other names: c.1516G>A, p.Gly506Arg (NM_001322003.2, NM_001322004.2, NM_001322005.2 and 1 more transcripts); c.1765G>A, p.Gly589Arg (NM_001322006.2); c.1603G>A, p.Gly535Arg (NM_001322007.2, NM_001322008.2); c.1360G>A, p.Gly454Arg (NM_001322010.2); c.988G>A, p.Gly330Arg (NM_001322011.2, NM_001322012.2); c.1348G>A, p.Gly450Arg (NM_001322013.2); c.1921G>A, p.Gly641Arg (NM_001322014.2); c.1612G>A, p.Gly538Arg (NM_001322015.2); short protein forms G454R, G506R, G641R, G535R, G330R, G538R, G589R, G450R.
Identifiers: ClinVar variation 919685 (VCV000919685.4), dbSNP rs1782938207, ClinGen allele CA366739248.

ClinVar aggregate classification (germline): Uncertain significance (1 of 4 stars; one submission).

Conditions:
Hereditary cancer-predisposing syndrome. Also called: Neoplastic Syndromes, Hereditary; Tumor predisposition; Hereditary Cancer Syndrome; Hereditary neoplastic syndrome. Identifiers: Orphanet 140162, MedGen C0027672, MeSH D009386, MONDO:0015356.

Submission:

Color Diagnostics, LLC DBA Color Health
Classification: Uncertain significance for Hereditary cancer-predisposing syndrome. Last evaluated: 2023-12-05. Review status: criteria provided, single submitter. Criteria: ACMG Guidelines, 2015. Collection method: clinical testing. Allele origin: germline.
Comment: This missense variant replaces glycine with arginine at codon 641 of the PMS2 protein. Computational prediction suggests that this variant may not impact protein structure and function (internally defined REVEL score threshold <= 0.5, PMID: 27666373). To our knowledge, functional studies have not been reported for this variant. This variant has not been reported in individuals affected with PMS2-related disorders in the literature. This variant has not been identified in the general population by the Genome Aggregation Database (gnomAD). The available evidence is insufficient to determine the role of this variant in disease conclusively. Therefore, this variant is classified as a Variant of Uncertain Significance.